The following is an entry in ClinVar:

ClinVar aggregate classification (germline): Uncertain significance (1 of 4 stars; one submission).

Allele frequency attached by ClinVar (database versions not stated): gnomAD exomes 0.00001; TOPMed 0.00001; gnomAD 0.00002.
gnomAD v4.1: 14 of 1,596,580 alleles (0.00088%); highest among the groups gnomAD compares: Admixed American, 0.0087%; no homozygotes.

Submission:

Labcorp Genetics (formerly Invitae), Labcorp
Classification: Uncertain significance. Last evaluated: 2024-01-17. Review status: criteria provided, single submitter. Criteria: Invitae Variant Classification Sherloc (09022015). Collection method: clinical testing. Allele origin: germline.
Comment: This sequence change replaces glycine, which is neutral and non-polar, with glutamic acid, which is acidic and polar, at codon 558 of the SCLT1 protein (p.Gly558Glu). This variant is present in population databases (no rsID available, gnomAD 0.004%). This variant has not been reported in the literature in individuals affected with SCLT1-related conditions. ClinVar contains an entry for this variant (Variation ID: 1511407). An algorithm developed to predict the effect of missense changes on protein structure and function (PolyPhen-2) suggests that this variant is likely to be disruptive. In summary, the available evidence is currently insufficient to determine the role of this variant in disease. Therefore, it has been classified as a Variant of Uncertain Significance.

NM_144643.4(SCLT1):c.1673G>A (p.Gly558Glu)

Gene: SCLT1 (sodium channel and clathrin linker 1; minus strand). Cytogenetic location: 4q28.2.
Variant type: single nucleotide variant.
Coding change: c.1673G>A on transcript NM_144643.4 (MANE Select); coding-DNA position 1673, G replaced by A.
Protein change: p.Gly558Glu; replaces glycine 558 with glutamic acid.
Molecular consequence: missense variant.
Genome position (GRCh38, 1-based): chr4:128,936,811, C>T on the plus strand (G>A on the coding strand, the complement: SCLT1 is on the minus strand). VCF-style: chr4-128936811-C-T. GRCh37 (hg19) VCF-style: chr4-129857966-C-T.
Other names: short protein forms G558E.
Identifiers: ClinVar variation 1511407 (VCV001511407.5), dbSNP rs962930772, ClinGen allele CA105713085.